The following is an entry in ClinVar:

ClinVar aggregate classification (germline): Benign. Review status: criteria provided, multiple submitters, no conflicts (2 of 4 stars). 3 submissions from 3 submitters: Benign (3). Last evaluated 2026-01-13.

Allele frequency attached by ClinVar (database versions not stated): gnomAD exomes 0.00108 and 0.00299; ExAC 0.00395; gnomAD 0.01231 and 0.01330; 1000 Genomes Project 0.01238; 1000 Genomes Project 30x 0.01249; TOPMed 0.01277; ESP Exome Variant Server 0.01471.
gnomAD v4.1: 3,492 of 1,611,854 alleles (0.22%); highest among the groups gnomAD compares: African/African-American, 4.3%; 69 homozygotes.

Submissions (3):

Labcorp Genetics (formerly Invitae), Labcorp
Classification: Benign. Last evaluated: 2026-01-13. Review status: criteria provided, single submitter. Criteria: Invitae Variant Classification Sherloc (09022015). Collection method: clinical testing. Allele origin: germline.

Mayo Clinic Laboratories, Mayo Clinic
Classification: Benign. Last evaluated: 2023-10-05. Review status: criteria provided, single submitter. Criteria: ACMG Guidelines, 2015. Collection method: clinical testing. Allele origin: germline. Observed: 6 variant alleles.
Comment: BS1, BS2, BP4

Breakthrough Genomics
Classification: Benign. Review status: criteria provided, single submitter. Criteria: ACMG Guidelines, 2015. Collection method: not provided. Allele origin: germline. Inheritance: Autosomal recessive inheritance. Affected: yes.

NM_005560.6(LAMA5):c.4757C>T (p.Pro1586Leu)

Gene: LAMA5 (laminin subunit alpha 5; minus strand). Cytogenetic location: 20q13.33.
Variant type: single nucleotide variant.
Coding change: c.4757C>T on transcript NM_005560.6 (MANE Select); coding-DNA position 4757, C replaced by T.
Protein change: p.Pro1586Leu; replaces proline 1586 with leucine.
Molecular consequence: missense variant.
Genome position (GRCh38, 1-based): chr20:62,327,906, G>A on the plus strand (C>T on the coding strand, the complement: LAMA5 is on the minus strand). VCF-style: chr20-62327906-G-A. GRCh37 (hg19) VCF-style: chr20-60902962-G-A.
Other names: p.Pro1586Leu; short protein forms P1586L.
Identifiers: ClinVar variation 711245 (VCV000711245.12), dbSNP rs114642987, ClinGen allele CA9942491.
Genomic context (GRCh38, chr20:62,327,906, plus strand): 5'-TGGGCCCAGCCCTCACTCACCTTACAGTAGCACTGCCCTGTGAGGGGGTCACACACGCCA[G>A]GCGCAGTGCCCGCCTCGTGACAGTCACAGGGGCGGCAGCGGGGGTAGCCATGGAAGCCCG-3'
Protein context (NP_005551.3, residues 1576-1596): PCDCHEAGTA[Pro1586Leu]GVCDPLTGQC